The following is an entry in ClinVar:

ClinVar aggregate classification (germline): Likely benign. Review status: criteria provided, multiple submitters, no conflicts (2 of 4 stars). 5 submissions from 4 submitters: Likely benign (5). Last evaluated 2026-01-27.

Conditions:
Autosomal dominant nocturnal frontal lobe epilepsy 5. Also called: Epilepsy, nocturnal frontal lobe, 5; KCNT1-Related Epilepsy; CILIARY DYSKINESIA, PRIMARY, 28, WITHOUT SITUS INVERSUS; CILIARY DYSKINESIA, PRIMARY, 28, WITH SITUS INVERSUS. Identifiers: Orphanet 98784, MedGen C3554306, MONDO:0014002, OMIM 615005.
Developmental and epileptic encephalopathy, 14 (DEE14). Also called: Early infantile epileptic encephalopathy 14. Identifiers: Orphanet 293181, MedGen C3554195, MONDO:0013989, OMIM 614959.
Inborn genetic diseases. Identifiers: MedGen C0950123, MeSH D030342.

Allele frequency attached by ClinVar (database versions not stated): gnomAD exomes 0.00003; ExAC 0.00005; ESP Exome Variant Server 0.00008; gnomAD 0.00008 and 0.00010; TOPMed 0.00008; 1000 Genomes Project 30x 0.00016; 1000 Genomes Project 0.00020.

Submissions (5):

Labcorp Genetics (formerly Invitae), Labcorp
Classification: Likely benign for Autosomal dominant nocturnal frontal lobe epilepsy 5; Developmental and epileptic encephalopathy, 14. Last evaluated: 2026-01-27. Review status: criteria provided, single submitter. Criteria: Invitae Variant Classification Sherloc (09022015). Collection method: clinical testing. Allele origin: germline.

Genome-Nilou Lab
Classification: Likely benign for Developmental and epileptic encephalopathy, 14. Last evaluated: 2022-03-15. Review status: criteria provided, single submitter. Criteria: ACMG Guidelines, 2015. Collection method: clinical testing. Allele origin: germline. Affected: no.

Genome-Nilou Lab
Classification: Likely benign for Autosomal dominant nocturnal frontal lobe epilepsy 5. Last evaluated: 2022-03-15. Review status: criteria provided, single submitter. Criteria: ACMG Guidelines, 2015. Collection method: clinical testing. Allele origin: germline. Affected: no.

Ambry Genetics
Classification: Likely benign for Inborn genetic diseases. Last evaluated: 2019-03-02. Review status: criteria provided, single submitter. Criteria: Ambry Variant Classification Scheme 2023. Collection method: clinical testing. Allele origin: germline.

GeneDx
Classification: Likely benign. Last evaluated: 2018-05-30. Review status: criteria provided, single submitter. Criteria: GeneDx Variant Classification (06012015). Collection method: clinical testing. Allele origin: germline. Affected: yes.
Comment: This variant is considered likely benign or benign based on one or more of the following criteria: it is a conservative change, it occurs at a poorly conserved position in the protein, it is predicted to be benign by multiple in silico algorithms, and/or has population frequency not consistent with disease.

NM_020822.3(KCNT1):c.1542C>T (p.Tyr514=)

Gene: KCNT1 (potassium sodium-activated channel subfamily T member 1; plus strand). Cytogenetic location: 9q34.3.
Variant type: single nucleotide variant.
Coding change: c.1542C>T on transcript NM_020822.3 (MANE Select); coding-DNA position 1542, C replaced by T.
Protein change: p.Tyr514=; no amino-acid change (tyrosine 514 retained).
Molecular consequence: synonymous variant.
Genome position (GRCh38, 1-based): chr9:135,769,978, C>T. VCF-style: chr9-135769978-C-T. GRCh37 (hg19) VCF-style: chr9-138661824-C-T.
Other names: c.1407C>T, p.Tyr469= (NM_001272003.2).
Identifiers: ClinVar variation 669096 (VCV000669096.15), dbSNP rs371913299, ClinGen allele CA5326961.